The following is an entry in ClinVar:

ClinVar aggregate classification (germline): Uncertain significance. Review status: criteria provided, multiple submitters, no conflicts (2 of 4 stars). 6 submissions from 6 submitters: Uncertain significance (6). Last evaluated 2025-08-13.

Conditions:
Primary ciliary dyskinesia. Also called: Ciliary dyskinesia. Identifiers: Orphanet 244, MedGen C0008780, MONDO:0016575, HP:0012265.
Primary ciliary dyskinesia 11. Also called: CILIARY DYSKINESIA, PRIMARY, 11, WITHOUT SITUS INVERSUS. Identifiers: Orphanet 244, MedGen C2675229, MONDO:0012978, OMIM 612649.

Allele frequency attached by ClinVar (database versions not stated): gnomAD exomes 0.00004 and 0.00007; gnomAD 0.00005 and 0.00006; ExAC 0.00006; TOPMed 0.00009.
gnomAD v4.1: 71 of 1,613,336 alleles (0.0044%); highest among the groups gnomAD compares: Middle Eastern, 0.05%; 1 homozygote.

Submissions (6):

Ambry Genetics
Classification: Uncertain significance for Primary ciliary dyskinesia. Last evaluated: 2025-08-13. Review status: criteria provided, single submitter. Criteria: Ambry Variant Classification Scheme 2023. Collection method: clinical testing. Allele origin: germline.

Mayo Clinic Laboratories, Mayo Clinic
Classification: Uncertain significance. Last evaluated: 2024-06-11. Review status: criteria provided, single submitter. Criteria: ACMG Guidelines, 2015. Collection method: clinical testing. Allele origin: germline. Observed: 1 variant allele.

Blueprint Genetics
Classification: Uncertain significance. Last evaluated: 2022-11-03. Review status: criteria provided, single submitter. Criteria: ACMG Guidelines, 2015. Collection method: clinical testing. Allele origin: germline.

Labcorp Genetics (formerly Invitae), Labcorp
Classification: Uncertain significance for Primary ciliary dyskinesia. Last evaluated: 2022-06-21. Review status: criteria provided, single submitter. Criteria: Invitae Variant Classification Sherloc (09022015). Collection method: clinical testing. Allele origin: germline.
Comment: This sequence change replaces tyrosine, which is neutral and polar, with serine, which is neutral and polar, at codon 217 of the RSPH4A protein (p.Tyr217Ser). This variant is present in population databases (rs762313827, gnomAD 0.03%). This variant has not been reported in the literature in individuals affected with RSPH4A-related conditions. ClinVar contains an entry for this variant (Variation ID: 193128). Algorithms developed to predict the effect of missense changes on protein structure and function are either unavailable or do not agree on the potential impact of this missense change (SIFT: "Deleterious"; PolyPhen-2: "Probably Damaging"; Align-GVGD: "Class C0"). In summary, the available evidence is currently insufficient to determine the role of this variant in disease. Therefore, it has been classified as a Variant of Uncertain Significance.

Illumina Laboratory Services, Illumina
Classification: Uncertain significance for Primary ciliary dyskinesia 11. Last evaluated: 2018-01-12. Review status: criteria provided, single submitter. Criteria: ICSL Variant Classification Criteria 13 December 2019. Collection method: clinical testing. Allele origin: germline.

Eurofins Ntd Llc (ga)
Classification: Uncertain significance. Last evaluated: 2014-07-21. Review status: criteria provided, single submitter. Criteria: EGL Classification Definitions 2015. Collection method: clinical testing. Allele origin: germline. Observed: 1 variant allele, 1 heterozygote.

Literature cited by the submitters: PubMed 34768622 (cited by Mayo Clinic Laboratories, Mayo Clinic).

NM_001010892.3(RSPH4A):c.650A>C (p.Tyr217Ser)

Gene: RSPH4A (radial spoke head component 4A; plus strand). Cytogenetic location: 6q22.1.
Variant type: single nucleotide variant.
Coding change: c.650A>C on transcript NM_001010892.3 (MANE Select); coding-DNA position 650, A replaced by C.
Protein change: p.Tyr217Ser; replaces tyrosine 217 with serine.
Molecular consequence: missense variant.
Genome position (GRCh38, 1-based): chr6:116,617,273, A>C. VCF-style: chr6-116617273-A-C. GRCh37 (hg19) VCF-style: chr6-116938436-A-C.
Other names: p.Tyr217Ser; c.650A>C, p.Tyr217Ser (NM_001161664.2); short protein forms Y217S.
Identifiers: ClinVar variation 193128 (VCV000193128.16), dbSNP rs762313827, ClinGen allele CA238636.